The following is an entry in ClinVar:

ClinVar aggregate classification (germline): Uncertain significance (1 of 4 stars; one submission).

Conditions:
Fanconi anemia complementation group J. Also called: BRIP1-Related Fanconi Anemia. Identifiers: Orphanet 84, MedGen C1836860, MONDO:0012187, OMIM 609054.
Familial cancer of breast. Also called: Hereditary breast cancer; BREAST CANCER, FAMILIAL; hereditary breast carcinoma. Identifiers: Orphanet 227535, MedGen C0346153, MONDO:0016419, OMIM 114480. Disease mechanism: loss of function.

Submission:

Labcorp Genetics (formerly Invitae), Labcorp
Classification: Uncertain significance for Familial cancer of breast; Fanconi anemia complementation group J. Last evaluated: 2021-02-14. Review status: criteria provided, single submitter. Criteria: Invitae Variant Classification Sherloc (09022015). Collection method: clinical testing. Allele origin: germline.
Comment: In summary, the available evidence is currently insufficient to determine the role of this variant in disease. Therefore, it has been classified as a Variant of Uncertain Significance. Algorithms developed to predict the effect of missense changes on protein structure and function (SIFT, PolyPhen-2, Align-GVGD) all suggest that this variant is likely to be tolerated, but these predictions have not been confirmed by published functional studies and their clinical significance is uncertain. This variant has not been reported in the literature in individuals with BRIP1-related conditions. This variant is not present in population databases (ExAC no frequency). This sequence change replaces glutamic acid with glycine at codon 1203 of the BRIP1 protein (p.Glu1203Gly). The glutamic acid residue is weakly conserved and there is a moderate physicochemical difference between glutamic acid and glycine.

NM_032043.3(BRIP1):c.3608A>G (p.Glu1203Gly)

Gene: BRIP1 (BRCA1 interacting DNA helicase 1; minus strand). Cytogenetic location: 17q23.2.
Variant type: single nucleotide variant.
Coding change: c.3608A>G on transcript NM_032043.3 (MANE Select); coding-DNA position 3608, A replaced by G.
Protein change: p.Glu1203Gly; replaces glutamic acid 1203 with glycine.
Molecular consequence: missense variant.
Genome position (GRCh38, 1-based): chr17:61,683,438, T>C on the plus strand (A>G on the coding strand, the complement: BRIP1 is on the minus strand). VCF-style: chr17-61683438-T-C. GRCh37 (hg19) VCF-style: chr17-59760799-T-C.
Other names: short protein forms E1203G.
Identifiers: ClinVar variation 1372031 (VCV001372031.9), dbSNP rs1403310555, ClinGen allele CA400478055.